The following is an entry in ClinVar:

NM_144997.7(FLCN):c.637T>A (p.Phe213Ile)

Gene: FLCN (folliculin; minus strand). Cytogenetic location: 17p11.2.
Variant type: single nucleotide variant.
Coding change: c.637T>A on transcript NM_144997.7 (MANE Select); coding-DNA position 637, T replaced by A.
Protein change: p.Phe213Ile; replaces phenylalanine 213 with isoleucine.
Molecular consequence: missense variant.
Genome position (GRCh38, 1-based): chr17:17,222,643, A>T on the plus strand (T>A on the coding strand, the complement: FLCN is on the minus strand). VCF-style: chr17-17222643-A-T. GRCh37 (hg19) VCF-style: chr17-17125957-A-T.
Other names: c.691T>A, p.Phe231Ile (NM_001353229.2); c.637T>A, p.Phe213Ile (NM_001353230.2, NM_001353231.2, NM_144606.7); short protein forms F231I, F213I.
Identifiers: ClinVar variation 2912833 (VCV002912833.4), dbSNP rs2544235556, ClinGen allele CA398534116.

ClinVar aggregate classification (germline): Uncertain significance. Review status: criteria provided, multiple submitters, no conflicts (2 of 4 stars). 2 submissions from 2 submitters: Uncertain significance (2). Last evaluated 2026-07-06.

Conditions:
Hereditary cancer-predisposing syndrome. Also called: Hereditary Cancer Syndrome; Hereditary neoplastic syndrome; Neoplastic Syndromes, Hereditary; Tumor predisposition. Identifiers: Orphanet 140162, MedGen C0027672, MeSH D009386, MONDO:0015356.
Birt-Hogg-Dube syndrome. Also called: Birt Hogg Dubé syndrome. Identifiers: Orphanet 122, MedGen C0346010, MONDO:0800444.

Submissions (2):

Ambry Genetics
Classification: Uncertain significance for Hereditary cancer-predisposing syndrome. Last evaluated: 2026-07-06. Review status: criteria provided, single submitter. Criteria: Ambry Variant Classification Scheme 2023. Collection method: clinical testing. Allele origin: germline.
Comment: The p.F213I variant (also known as c.637T>A), located in coding exon 4 of the FLCN gene, results from a T to A substitution at nucleotide position 637. The phenylalanine at codon 213 is replaced by isoleucine, an amino acid with highly similar properties. This amino acid position is conserved. In addition, this alteration is predicted to be tolerated by in silico analysis. Based on the available evidence, the clinical significance of this variant remains unclear.

Labcorp Genetics (formerly Invitae), Labcorp
Classification: Uncertain significance for Birt-Hogg-Dube syndrome. Last evaluated: 2023-08-25. Review status: criteria provided, single submitter. Criteria: Invitae Variant Classification Sherloc (09022015). Collection method: clinical testing. Allele origin: germline.
Comment: This sequence change replaces phenylalanine, which is neutral and non-polar, with isoleucine, which is neutral and non-polar, at codon 213 of the FLCN protein (p.Phe213Ile). This variant is not present in population databases (gnomAD no frequency). This variant has not been reported in the literature in individuals affected with FLCN-related conditions. Advanced modeling of protein sequence and biophysical properties (such as structural, functional, and spatial information, amino acid conservation, physicochemical variation, residue mobility, and thermodynamic stability) performed at Invitae indicates that this missense variant is not expected to disrupt FLCN protein function. In summary, the available evidence is currently insufficient to determine the role of this variant in disease. Therefore, it has been classified as a Variant of Uncertain Significance.